The following is an entry in ClinVar:

NM_138701.4(MPLKIP):c.296del (p.Gln99fs)

Gene: MPLKIP (M-phase specific PLK1 interacting protein; minus strand). Cytogenetic location: 7p14.1.
Variant type: Deletion.
Coding change: c.296del on transcript NM_138701.4 (MANE Select); coding-DNA position 296, one base deleted (A; older notation c.296delA).
Protein change: p.Gln99fs; shifts the reading frame from glutamine 99.
Molecular consequence: frameshift variant.
Genome position (GRCh38, 1-based): chr7:40,134,272, T deleted on the plus strand (A on the coding strand, the reverse complement: MPLKIP is on the minus strand). VCF-style (leftmost placement, unchanged base first): chr7-40134271-CT-C. GRCh37 (hg19) VCF-style: chr7-40173870-CT-C.
Other names: c.296delA (NM_138701.3); short protein forms Q99fs.
Identifiers: ClinVar variation 2815461 (VCV002815461.4), dbSNP rs753172610, ClinGen allele CA4229206.

ClinVar aggregate classification (germline): Pathogenic/Likely pathogenic. Review status: criteria provided, multiple submitters, no conflicts (2 of 4 stars). 2 submissions from 2 submitters: Pathogenic (1); Likely pathogenic (1). Last evaluated 2025-01-29.

Conditions:
MPLKIP-related disorder. Also called: MPLKIP-related condition.

Allele frequency attached by ClinVar (database versions not stated): gnomAD exomes below 0.00001; ExAC 0.00006.

Submissions (2):

PreventionGenetics, part of Exact Sciences
Classification: Likely pathogenic for MPLKIP-related condition. Last evaluated: 2025-01-29. Review status: criteria provided, single submitter. Criteria: ACMG Guidelines, 2015. Collection method: clinical testing. Allele origin: germline.
Comment: The MPLKIP c.296delA variant is predicted to result in a frameshift and premature protein termination (p.Gln99Argfs*54). To our knowledge, this variant has not been reported in the literature. This variant is reported in 0.0016% of alleles in individuals of European (Non-Finnish) descent in gnomAD. Frameshift variants in MPLKIP are expected to be pathogenic. This variant is interpreted as likely pathogenic.

Labcorp Genetics (formerly Invitae), Labcorp
Classification: Pathogenic. Last evaluated: 2023-07-20. Review status: criteria provided, single submitter. Criteria: Invitae Variant Classification Sherloc (09022015). Collection method: clinical testing. Allele origin: germline.
Comment: This variant has not been reported in the literature in individuals affected with MPLKIP-related conditions. This variant is present in population databases (rs753172610, gnomAD 0.002%). This sequence change creates a premature translational stop signal (p.Gln99Argfs*54) in the MPLKIP gene. While this is not anticipated to result in nonsense mediated decay, it is expected to disrupt the last 81 amino acid(s) of the MPLKIP protein. This variant disrupts a region of the MPLKIP protein in which other variant(s) (p.Met144Val) have been determined to be pathogenic (PMID: 15645389). This suggests that this is a clinically significant region of the protein, and that variants that disrupt it are likely to be disease-causing. For these reasons, this variant has been classified as Pathogenic.

Literature cited by the submitters: PubMed 15645389 (cited by Labcorp Genetics (formerly Invitae), Labcorp).